The following is an entry in ClinVar:

NM_021619.3(PRDM12):c.159G>C (p.Lys53Asn)

Gene: PRDM12 (PR/SET domain 12; plus strand). Cytogenetic location: 9q34.12.
Variant type: single nucleotide variant.
Coding change: c.159G>C on transcript NM_021619.3 (MANE Select); coding-DNA position 159, G replaced by C.
Protein change: p.Lys53Asn; replaces lysine 53 with asparagine.
Molecular consequence: missense variant.
Genome position (GRCh38, 1-based): chr9:130,664,812, G>C. VCF-style: chr9-130664812-G-C. GRCh37 (hg19) VCF-style: chr9-133540199-G-C.
Other names: short protein forms K53N.
Identifiers: ClinVar variation 1372762 (VCV001372762.6), dbSNP rs755779307, ClinGen allele CA5284470.

ClinVar aggregate classification (germline): Uncertain significance (1 of 4 stars; one submission).

Conditions:
Congenital insensitivity to pain-hypohidrosis syndrome. Also called: HSAN VIII; Neuropathy, hereditary sensory and autonomic, type VIII. Identifiers: Orphanet 478664, MedGen C4225308, MONDO:0014662, OMIM 616488.

Allele frequency attached by ClinVar (database versions not stated): gnomAD 0.00002; TOPMed 0.00005; gnomAD exomes 0.00011; ExAC 0.00018.
gnomAD v4.1: 18 of 1,568,666 alleles (0.0011%); highest among the groups gnomAD compares: East Asian, 0.04%; no homozygotes.

Submission:

Labcorp Genetics (formerly Invitae), Labcorp
Classification: Uncertain significance for Congenital insensitivity to pain-hypohidrosis syndrome. Last evaluated: 2024-01-04. Review status: criteria provided, single submitter. Criteria: Invitae Variant Classification Sherloc (09022015). Collection method: clinical testing. Allele origin: germline.
Comment: This sequence change replaces lysine, which is basic and polar, with asparagine, which is neutral and polar, at codon 53 of the PRDM12 protein (p.Lys53Asn). This variant is present in population databases (rs755779307, gnomAD 0.1%). This variant has not been reported in the literature in individuals affected with PRDM12-related conditions. ClinVar contains an entry for this variant (Variation ID: 1372762). An algorithm developed to predict the effect of missense changes on protein structure and function (PolyPhen-2) suggests that this variant is likely to be tolerated. In summary, the available evidence is currently insufficient to determine the role of this variant in disease. Therefore, it has been classified as a Variant of Uncertain Significance.